The following is an entry in ClinVar:

NM_021625.5(TRPV4):c.1342G>A (p.Glu448Lys)

Gene: TRPV4 (transient receptor potential cation channel subfamily V member 4; minus strand). Cytogenetic location: 12q24.11.
Variant type: single nucleotide variant.
Coding change: c.1342G>A on transcript NM_021625.5 (MANE Select); coding-DNA position 1342, G replaced by A.
Protein change: p.Glu448Lys; replaces glutamic acid 448 with lysine.
Molecular consequence: missense variant.
Genome position (GRCh38, 1-based): chr12:109,794,478, C>T on the plus strand (G>A on the coding strand, the complement: TRPV4 is on the minus strand). VCF-style: chr12-109794478-C-T. GRCh37 (hg19) VCF-style: chr12-110232283-C-T.
Other names: c.1201G>A, p.Glu401Lys (NM_001177428.2); c.1240G>A, p.Glu414Lys (NM_001177431.2); c.1021G>A, p.Glu341Lys (NM_001177433.2); c.1162G>A, p.Glu388Lys (NM_147204.3); short protein forms E448K, E341K, E414K, E388K, E401K.
Identifiers: ClinVar variation 536869 (VCV000536869.8), dbSNP rs373103155, ClinGen allele CA6780262.

ClinVar aggregate classification (germline): Uncertain significance (1 of 4 stars; one submission).

Conditions:
Charcot-Marie-Tooth disease axonal type 2C (HMSN2C). Also called: CHARCOT-MARIE-TOOTH DISEASE, AXONAL, AUTOSOMAL DOMINANT, TYPE 2C; Charcot-Marie-Tooth Neuropathy Type 2C; Charcot-Marie-Tooth Disease Type 2, TRPV4-Related (CMT2C). Identifiers: Orphanet 99937, MedGen C1853710, MONDO:0011633, OMIM 606071.

Allele frequency attached by ClinVar (database versions not stated): ExAC 0.00001; gnomAD 0.00001; gnomAD exomes 0.00001; TOPMed 0.00001; ESP Exome Variant Server 0.00008.
gnomAD v4.1: 9 of 1,613,688 alleles (0.00056%); highest among the groups gnomAD compares: Admixed American, 0.005%; no homozygotes.

Submission:

Labcorp Genetics (formerly Invitae), Labcorp
Classification: Uncertain significance for Charcot-Marie-Tooth disease axonal type 2C. Last evaluated: 2025-09-10. Review status: criteria provided, single submitter. Criteria: Invitae Variant Classification Sherloc (09022015). Collection method: clinical testing. Allele origin: germline.
Comment: This sequence change replaces glutamic acid, which is acidic and polar, with lysine, which is basic and polar, at codon 448 of the TRPV4 protein (p.Glu448Lys). This variant is present in population databases (rs373103155, gnomAD 0.003%). This variant has not been reported in the literature in individuals affected with TRPV4-related conditions. ClinVar contains an entry for this variant (Variation ID: 536869). Invitae Evidence Modeling of protein sequence and biophysical properties (such as structural, functional, and spatial information, amino acid conservation, physicochemical variation, residue mobility, and thermodynamic stability) has been performed for this missense variant. However, the output from this modeling did not meet the statistical confidence thresholds required to predict the impact of this variant on TRPV4 protein function. In summary, the available evidence is currently insufficient to determine the role of this variant in disease. Therefore, it has been classified as a Variant of Uncertain Significance.